The following is an entry in ClinVar:

ClinVar aggregate classification (germline): Uncertain significance (1 of 4 stars; one submission).

Conditions:
Hereditary cancer-predisposing syndrome. Also called: Neoplastic Syndromes, Hereditary; Hereditary Cancer Syndrome; Hereditary neoplastic syndrome; Tumor predisposition. Identifiers: Orphanet 140162, MedGen C0027672, MeSH D009386, MONDO:0015356.

Submission:

Ambry Genetics
Classification: Uncertain significance for Hereditary cancer-predisposing syndrome. Last evaluated: 2023-05-31. Review status: criteria provided, single submitter. Criteria: Ambry Variant Classification Scheme 2023. Collection method: clinical testing. Allele origin: germline.
Comment: The p.P391L variant (also known as c.1172C>T), located in coding exon 10 of the TSC1 gene, results from a C to T substitution at nucleotide position 1172. The proline at codon 391 is replaced by leucine, an amino acid with similar properties. This amino acid position is conserved. In addition, this alteration is predicted to be deleterious by in silico analysis. Since supporting evidence is limited at this time, the clinical significance of this alteration remains unclear.

NM_000368.5(TSC1):c.1172C>T (p.Pro391Leu)

Gene: TSC1 (TSC complex subunit 1; minus strand). Cytogenetic location: 9q34.13.
Variant type: single nucleotide variant.
Coding change: c.1172C>T on transcript NM_000368.5 (MANE Select); coding-DNA position 1172, C replaced by T.
Protein change: p.Pro391Leu; replaces proline 391 with leucine.
Molecular consequence: missense variant. On other transcripts: non-coding transcript variant (5).
Genome position (GRCh38, 1-based): chr9:132,910,662, G>A on the plus strand (C>T on the coding strand, the complement: TSC1 is on the minus strand). VCF-style: chr9-132910662-G-A. GRCh37 (hg19) VCF-style: chr9-135786049-G-A.
Other names: c.1169C>T, p.Pro390Leu (NM_001406600.1, NM_001406603.1, NM_001406604.1 and 6 more transcripts); c.1172C>T, p.Pro391Leu (NM_001406607.1, NM_001406601.1, NM_001406602.1 and 7 more transcripts); c.1019C>T, p.Pro340Leu (NM_001162427.2, NM_001406610.1); c.809C>T, p.Pro270Leu (NM_001362177.2, NM_001406614.1, NM_001406615.1 and 5 more transcripts); c.1016C>T, p.Pro339Leu (NM_001406611.1, NM_001406612.1, NM_001406613.1); c.806C>T, p.Pro269Leu (NM_001406620.1, NM_001406621.1, NM_001406622.1 and 2 more transcripts); c.221C>T, p.Pro74Leu (NM_001406626.1); c.218C>T, p.Pro73Leu (NM_001406627.1, NM_001406628.1); and 1 more; short protein forms P390L, P40L, P339L, P391L, P73L, P74L, P269L, P270L.
Identifiers: ClinVar variation 2562899 (VCV002562899.2), dbSNP rs2131945520, ClinGen allele CA375367105.